The following is an entry in ClinVar:

NM_014003.4(DHX38):c.2880C>T (p.Ile960=)

Genes: DHX38 (DEAH-box helicase 38; plus strand), LOC126862391 (CDK7 strongly-dependent group 2 enhancer GRCh37_chr16:72141414-72142613; plus strand). Cytogenetic location: 16q22.2.
Variant type: single nucleotide variant.
Coding change: c.2880C>T on transcript NM_014003.4 (MANE Select); coding-DNA position 2880, C replaced by T.
Protein change: p.Ile960=; no amino-acid change (isoleucine 960 retained).
Molecular consequence: synonymous variant.
Genome position (GRCh38, 1-based): chr16:72,107,715, C>T. VCF-style: chr16-72107715-C-T. GRCh37 (hg19) VCF-style: chr16-72141614-C-T.
Other names: c.2880C>T (NM_014003.3).
Identifiers: ClinVar variation 1123582 (VCV001123582.13), dbSNP rs183625590, ClinGen allele CA8160799.

ClinVar aggregate classification (germline): Likely benign. Review status: criteria provided, multiple submitters, no conflicts (2 of 4 stars). 4 submissions from 4 submitters: Likely benign (3). 1 of the submissions does not count toward it. Last evaluated 2025-01-06.

Conditions:
DHX38-related disorder. Also called: DHX38-related condition.
Retinal dystrophy. Also called: Inherited retinal dystrophy. Identifiers: Orphanet 71862, MedGen C0854723, MeSH D058499, MONDO:0019118, HP:0000556.

Allele frequency attached by ClinVar (database versions not stated): TOPMed 0.00009; ExAC 0.00010; gnomAD exomes 0.00010; gnomAD 0.00012 and 0.00015; ESP Exome Variant Server 0.00015; 1000 Genomes Project 30x 0.00047; 1000 Genomes Project 0.00060.
gnomAD v4.1: 233 of 1,614,148 alleles (0.014%); highest among the groups gnomAD compares: East Asian, 0.02%; no homozygotes.

Submissions (4):

Labcorp Genetics (formerly Invitae), Labcorp
Classification: Likely benign. Last evaluated: 2025-01-06. Review status: criteria provided, single submitter. Criteria: Invitae Variant Classification Sherloc (09022015). Collection method: clinical testing. Allele origin: germline.

Blueprint Genetics
Classification: Likely benign. Last evaluated: 2024-05-30. Review status: criteria provided, single submitter. Criteria: ACMG Guidelines, 2015. Collection method: clinical testing. Allele origin: germline.

Dept Of Ophthalmology, Nagoya University
Classification: Likely benign for Retinal dystrophy. Last evaluated: 2023-10-01. Review status: criteria provided, single submitter. Criteria: Submitter's publication. Collection method: research. Allele origin: germline. Affected: yes.

PreventionGenetics, part of Exact Sciences
Classification: Likely benign for DHX38-related condition. Last evaluated: 2019-07-10. Review status: no assertion criteria provided. Collection method: clinical testing. Allele origin: germline. Not counted in ClinVar's aggregate classification.
Comment: This variant is classified as likely benign based on ACMG/AMP sequence variant interpretation guidelines (Richards et al. 2015 PMID: 25741868, with internal and published modifications).